The following is an entry in ClinVar:

NM_000093.5(COL5A1):c.463T>C (p.Phe155Leu)

Gene: COL5A1 (collagen type V alpha 1 chain; plus strand). Cytogenetic location: 9q34.3.
Variant type: single nucleotide variant.
Coding change: c.463T>C on transcript NM_000093.5 (MANE Select); coding-DNA position 463, T replaced by C.
Protein change: p.Phe155Leu; replaces phenylalanine 155 with leucine.
Molecular consequence: missense variant.
Genome position (GRCh38, 1-based): chr9:134,700,094, T>C. VCF-style: chr9-134700094-T-C. GRCh37 (hg19) VCF-style: chr9-137591940-T-C.
Other names: c.463T>C, p.Phe155Leu (NM_001278074.1); short protein forms F155L.
Identifiers: ClinVar variation 2716853 (VCV002716853.4), dbSNP rs143613855, ClinGen allele CA5318306.

ClinVar aggregate classification (germline): Conflicting classifications of pathogenicity. Review status: criteria provided, conflicting classifications (1 of 4 stars). 2 submissions from 2 submitters: Uncertain significance (1); Likely benign (1). Last evaluated 2024-11-11.

Conditions:
Ehlers-Danlos syndrome, classic type, 1 (EDSCL1). Also called: EHLERS-DANLOS SYNDROME, GRAVIS TYPE; EHLERS-DANLOS SYNDROME, SEVERE CLASSIC TYPE; Ehlers-Danlos syndrome, type 1; Ehlers-Danlos Syndrome, Classic Type, COL5A1-Related; EDS I. Identifiers: MedGen C0268335, MONDO:0019567, OMIM 130000.

Allele frequency attached by ClinVar (database versions not stated): gnomAD exomes 0.00001; TOPMed 0.00001; gnomAD 0.00002; ExAC 0.00001.
gnomAD v4.1: 6 of 1,608,736 alleles (0.00037%); highest among the groups gnomAD compares: Non-Finnish European, 0.00051%; no homozygotes.

Submissions (2):

Women's Health and Genetics/Laboratory Corporation of America, LabCorp
Classification: Uncertain significance. Last evaluated: 2024-11-11. Review status: criteria provided, single submitter. Criteria: LabCorp Variant Classification Summary - May 2015. Collection method: clinical testing. Allele origin: germline.
Comment: Variant summary: COL5A1 c.463T>C (p.Phe155Leu) results in a non-conservative amino acid change located in the Thrombospondin N-terminal -like domain (IPR001791) of the encoded protein sequence. Four of five in-silico tools predict a damaging effect of the variant on protein function. The variant allele was found at a frequency of 1.6e-05 in 246484 control chromosomes. The available data on variant occurrences in the general population are insufficient to allow any conclusion about variant significance. c.463T>C has been reported in the literature in at least one individual affected with cardiomyopathy without evidence for causality (e.g. Vokac_2024). This report does not provide unequivocal conclusions about association of the variant with Ehlers-Danlos Syndrome. To our knowledge, no experimental evidence demonstrating an impact on protein function has been reported. The following publication has been ascertained in the context of this evaluation (PMID: 38254962). ClinVar contains an entry for this variant (Variation ID: 2716853). Based on the evidence outlined above, the variant was classified as uncertain significance.

Labcorp Genetics (formerly Invitae), Labcorp
Classification: Likely benign for Ehlers-Danlos syndrome, classic type, 1. Last evaluated: 2024-06-01. Review status: criteria provided, single submitter. Criteria: Invitae Variant Classification Sherloc (09022015). Collection method: clinical testing. Allele origin: germline.

Literature cited by the submitters: PubMed 38254962 (cited by Women's Health and Genetics/Laboratory Corporation of America, LabCorp).